The following is an entry in ClinVar:

NM_005902.4(SMAD3):c.21del (p.Phe7fs)

Genes: SMAD3 (SMAD family member 3; plus strand), LOC130057352 (ATAC-STARR-seq lymphoblastoid silent region 6574; plus strand). Cytogenetic location: 15q22.33.
Variant type: Deletion.
Coding change: c.21del on transcript NM_005902.4 (MANE Select); coding-DNA position 21, one base deleted (C; older notation c.21delC).
Protein change: p.Phe7fs; shifts the reading frame from phenylalanine 7.
Molecular consequence: frameshift variant.
Genome position (GRCh38, 1-based): chr15:67,066,175, C deleted. VCF-style (leftmost placement, unchanged base first): chr15-67066174-TC-T. GRCh37 (hg19) VCF-style: chr15-67358512-TC-T.
Other names: short protein forms F7fs.
Identifiers: ClinVar variation 920433 (VCV000920433.3), dbSNP rs1693718752, ClinGen allele CA913188671.

ClinVar aggregate classification (germline): Pathogenic (1 of 4 stars; one submission).

Conditions:
Familial thoracic aortic aneurysm and aortic dissection (TAAD). Also called: Thoracic aortic aneurysms and dissections. Identifiers: Orphanet 91387, MedGen C4707243, MONDO:0019625.

Submission:

Color Diagnostics, LLC DBA Color Health
Classification: Pathogenic for Familial thoracic aortic aneurysm and aortic dissection. Last evaluated: 2019-02-22. Review status: criteria provided, single submitter. Criteria: ACMG Guidelines, 2015. Collection method: clinical testing. Allele origin: germline.
Comment: This variant deletes 1 nucleotide in exon 1 of the SMAD3 gene, creating a frameshift and premature translation stop signal. This variant is expected to result in an absent or non-functional protein product. To our knowledge, functional assays have not been performed for this variant nor has this variant been reported in individuals affected with cardiovascular disorders in the literature. This variant has not been identified in the general population by the Genome Aggregation Database (gnomAD). Loss of SMAD3 function is a known mechanism of disease. Based on available evidence, this variant is classified as Pathogenic.